The following is an entry in ClinVar:

ClinVar aggregate classification (germline): Pathogenic (1 of 4 stars; one submission).

Conditions:
Neurofibromatosis, type 1 (NF1). Also called: Neurofibromatosis, type I; NEUROFIBROMATOSIS, TYPE I, SOMATIC; Peripheral type neurofibromatosis; VON RECKLINGHAUSEN DISEASE. Identifiers: Orphanet 636, MedGen C0027831, MONDO:0018975, OMIM 162200. Disease mechanism: loss of function.

Submission:

Labcorp Genetics (formerly Invitae), Labcorp
Classification: Pathogenic for Neurofibromatosis, type 1. Last evaluated: 2016-10-05. Review status: criteria provided, single submitter. Criteria: Invitae Variant Classification Sherloc (09022015). Collection method: clinical testing. Allele origin: germline.
Comment: While this particular variant has not been reported in the literature, loss-of-function variants in NF1 are known to be pathogenic (PMID: 10712197, 23913538). This sequence change deletes 1 nucleotide from exon 50 of the NF1 mRNA (c.7544delA), causing a frameshift at codon 2515. This creates a premature translational stop signal (p.Lys2515Serfs*12) and is expected to result in an absent or disrupted protein product. For these reasons, this variant has been classified as Pathogenic.

Literature cited by the submitters: PubMed 10712197; PubMed 23913538.

NM_001042492.3(NF1):c.7607del (p.Lys2536fs)

Gene: NF1 (neurofibromin 1; plus strand). Cytogenetic location: 17q11.2.
Variant type: Deletion.
Coding change: c.7607del on transcript NM_001042492.3 (MANE Select); coding-DNA position 7607, one base deleted (A; older notation c.7607delA).
Protein change: p.Lys2536fs; shifts the reading frame from lysine 2536.
Molecular consequence: frameshift variant.
Genome position (GRCh38, 1-based): chr17:31,352,406, A deleted; the last of 2 consecutive A bases (chr17:31,352,405-31,352,406); deleting either gives the same sequence. VCF-style (leftmost placement, unchanged base first): chr17-31352404-GA-G. GRCh37 (hg19) VCF-style: chr17-29679422-GA-G.
Other names: c.7544delA, p.Lys2515Serfs (NM_000267.4); c.7544delA (NM_000267.3); short protein forms K2515fs, K2536fs.
Identifiers: ClinVar variation 404533 (VCV000404533.5), dbSNP rs1060500327, ClinGen allele CA16615589.